The following is an entry in ClinVar:

NM_020320.5(RARS2):c.1305+1G>A

Gene: RARS2 (arginyl-tRNA synthetase 2, mitochondrial; minus strand). Cytogenetic location: 6q15.
Variant type: single nucleotide variant.
Coding change: c.1305+1G>A on transcript NM_020320.5 (MANE Select); the canonical splice donor site of the intron after coding-DNA position 1305, G replaced by A.
Molecular consequence: splice donor variant.
Genome position (GRCh38, 1-based): chr6:87,518,823, C>T on the plus strand (G>A on the coding strand, the complement: RARS2 is on the minus strand). VCF-style: chr6-87518823-C-T. GRCh37 (hg19) VCF-style: chr6-88228541-C-T.
Other names: c.1305+1G>A (NM_001350505.2); c.780+1G>A (NM_001350509.2, NM_001318785.2, NM_001350506.2 and 4 more transcripts).
Identifiers: ClinVar variation 931994 (VCV000931994.3), dbSNP rs1408583008, ClinGen allele CA364922969.

ClinVar aggregate classification (germline): Pathogenic (1 of 4 stars; one submission).

Conditions:
Pontocerebellar hypoplasia type 6 (PCH6). Identifiers: Orphanet 166073, MedGen C1969084, MONDO:0012683, OMIM 611523.

Submission:

Centre for Mendelian Genomics, University Medical Centre Ljubljana
Classification: Pathogenic for Pontocerebellar hypoplasia type 6. Last evaluated: 2016-01-01. Review status: criteria provided, single submitter. Criteria: ACMG Guidelines, 2015. Collection method: clinical testing. Allele origin: unknown. Affected: yes.
Comment: This variant was classified as: Pathogenic. The following ACMG criteria were applied in classifying this variant: PVS1,PM2,PP3.